The following is an entry in ClinVar:

ClinVar aggregate classification (germline): Uncertain significance. Review status: criteria provided, multiple submitters, no conflicts (2 of 4 stars). 2 submissions from 2 submitters: Uncertain significance (2). Last evaluated 2025-09-02.

Conditions:
Brugada syndrome 5 (BRGDA5). Identifiers: Orphanet 130, Orphanet 871, MedGen C2748541, MONDO:0013015, OMIM 612838.

Allele frequency attached by ClinVar (database versions not stated): gnomAD exomes 0.00002 and 0.00003; TOPMed 0.00003; gnomAD 0.00004.
gnomAD v4.1: 29 of 1,551,220 alleles (0.0019%); highest among the groups gnomAD compares: Admixed American, 0.0078%; no homozygotes.

Submissions (2):

Labcorp Genetics (formerly Invitae), Labcorp
Classification: Uncertain significance for Brugada syndrome 5. Last evaluated: 2025-09-02. Review status: criteria provided, single submitter. Criteria: Invitae Variant Classification Sherloc (09022015). Collection method: clinical testing. Allele origin: germline.
Comment: This sequence change creates a premature translational stop signal (p.Arg261*) in the SCN1B gene. While this is not anticipated to result in nonsense mediated decay, it is expected to disrupt the last 8 amino acid(s) of the SCN1B protein. This variant is present in population databases (no rsID available, gnomAD 0.01%). This variant has not been reported in the literature in individuals affected with SCN1B-related conditions. ClinVar contains an entry for this variant (Variation ID: 1693012). Experimental studies and prediction algorithms are not available or were not evaluated, and the functional significance of this variant is currently unknown. In summary, the available evidence is currently insufficient to determine the role of this variant in disease. Therefore, it has been classified as a Variant of Uncertain Significance.

GeneDx
Classification: Uncertain significance. Last evaluated: 2022-06-16. Review status: criteria provided, single submitter. Criteria: GeneDx Variant Classification Process June 2021. Collection method: clinical testing. Allele origin: germline. Affected: yes.
Comment: Nonsense variant predicted to result in protein truncation as the last 8 amino acids are lost, although loss-of-function variants have not been reported downstream of this position in the protein; Has not been previously published as pathogenic or benign to our knowledge; Reported using an alternate transcript of the gene

NM_001037.5(SCN1B):c.448+333C>T

Gene: SCN1B (sodium voltage-gated channel beta subunit 1; plus strand). Cytogenetic location: 19q13.11.
Variant type: single nucleotide variant.
Coding change: c.448+333C>T on transcript NM_001037.5 (MANE Select); 333 bases into the intron after coding-DNA position 448, C replaced by T.
Molecular consequence: intron variant. On other transcripts: nonsense (1).
Genome position (GRCh38, 1-based): chr19:35,034,072, C>T. VCF-style: chr19-35034072-C-T. GRCh37 (hg19) VCF-style: chr19-35524976-C-T.
Other names: c.781C>T, p.Arg261Ter (NM_199037.5); c.349+333C>T (NM_001321605.2); short protein forms R261*.
Identifiers: ClinVar variation 1693012 (VCV001693012.7), dbSNP rs946024438, ClinGen allele CA307703846.